The following is an entry in ClinVar:

ClinVar aggregate classification (germline): Likely benign (1 of 4 stars; one submission).

Allele frequency attached by ClinVar (database versions not stated): gnomAD 0.00001; ExAC 0.00005; 1000 Genomes Project 30x 0.00016; 1000 Genomes Project 0.00020.
gnomAD v4.1: 2 of 1,550,552 alleles (0.00013%); highest among the groups gnomAD compares: African/African-American, 0.0027%; no homozygotes.

Submission:

CeGaT Center for Human Genetics Tuebingen
Classification: Likely benign. Last evaluated: 2024-05-01. Review status: criteria provided, single submitter. Criteria: CeGaT Center For Human Genetics Tuebingen Variant Classification Criteria Version 2. Collection method: clinical testing. Allele origin: germline. Affected: yes. Observed: 1 variant allele.
Comment: GREB1L: BP4, BP7

NM_001142966.3(GREB1L):c.390A>G (p.Val130=)

Genes: GREB1L (GREB1 like retinoic acid receptor coactivator; plus strand), GREB1L-AS1 (GREB1L antisense RNA 1; minus strand). Cytogenetic location: 18q11.1.
Variant type: single nucleotide variant.
Coding change: c.390A>G on transcript NM_001142966.3 (MANE Select); coding-DNA position 390, A replaced by G.
Protein change: p.Val130=; no amino-acid change (valine 130 retained).
Molecular consequence: synonymous variant.
Genome position (GRCh38, 1-based): chr18:21,395,419, A>G. VCF-style: chr18-21395419-A-G. GRCh37 (hg19) VCF-style: chr18-18975380-A-G.
Other names: c.390A>G, p.Val130= (NM_001410867.1, NM_001410868.1).
Identifiers: ClinVar variation 3239073 (VCV003239073.19), dbSNP rs555628599.